The following is an entry in ClinVar:

NM_000238.4(KCNH2):c.98A>C (p.Asn33Thr)

Gene: KCNH2 (potassium voltage-gated channel subfamily H member 2; minus strand). Cytogenetic location: 7q36.1.
Variant type: single nucleotide variant.
Coding change: c.98A>C on transcript NM_000238.4 (MANE Select); coding-DNA position 98, A replaced by C.
Protein change: p.Asn33Thr; replaces asparagine 33 with threonine.
Molecular consequence: missense variant.
Genome position (GRCh38, 1-based): chr7:150,974,920, T>G on the plus strand (A>C on the coding strand, the complement: KCNH2 is on the minus strand). VCF-style: chr7-150974920-T-G. GRCh37 (hg19) VCF-style: chr7-150672008-T-G.
Other names: p.N33T:AAC>ACC; c.98A>C (LRG_288t1); c.-80A>C (NM_001406755.1); c.98A>C, p.Asn33Thr (NM_172056.3); short protein forms N33T.
Identifiers: ClinVar variation 67553 (VCV000067553.19), dbSNP rs199473487, ClinGen allele CA009070.

ClinVar aggregate classification (germline): Conflicting classifications of pathogenicity. Review status: criteria provided, conflicting classifications (1 of 4 stars). 7 submissions from 7 submitters: Likely pathogenic (5); Uncertain significance (1). 1 of the submissions does not count toward it. Last evaluated 2025-12-17.

Conditions:
Cardiac arrhythmia. Also called: Cardiac rhythm disease; Arrhythmia. Identifiers: MedGen C0003811, MONDO:0007263, HP:0011675.
Cardiovascular phenotype. Identifiers: MedGen CN230736.
Long QT syndrome (LQTS). Identifiers: MedGen C0023976, MeSH D008133, MONDO:0002442. Disease mechanism: loss of function. Inheritance: Various modes of inheritance.

Submissions (7):

Labcorp Genetics (formerly Invitae), Labcorp
Classification: Likely pathogenic for Long QT syndrome. Last evaluated: 2025-12-17. Review status: criteria provided, single submitter. Criteria: Invitae Variant Classification Sherloc (09022015). Collection method: clinical testing. Allele origin: germline.
Comment: This sequence change replaces asparagine, which is neutral and polar, with threonine, which is neutral and polar, at codon 33 of the KCNH2 protein (p.Asn33Thr). This variant is not present in population databases (gnomAD no frequency). This missense change has been observed in individuals with KCNH2-related conditions (PMID: 10973849, 11854117, 23174487, 23631430, 28087566; internal data). ClinVar contains an entry for this variant (Variation ID: 67553). An algorithm developed to predict the effect of missense changes on protein structure and function (PolyPhen-2) suggests that this variant is likely to be disruptive. Experimental studies have shown that this missense change affects KCNH2 function (PMID: 10187793, 19172259, 21536673, 22396785, 23303164, 25417810, 29725305, 31557540, 35688148). In summary, the currently available evidence indicates that the variant is pathogenic, but additional data are needed to prove that conclusively. Therefore, this variant has been classified as Likely Pathogenic.

Color Diagnostics, LLC DBA Color Health
Classification: Likely pathogenic for Cardiac arrhythmia. Last evaluated: 2025-08-11. Review status: criteria provided, single submitter. Criteria: ACMG Guidelines, 2015. Collection method: clinical testing. Allele origin: germline.
Comment: This missense variant replaces asparagine with threonine at codon 33 in the N-terminal PAS domain of the KCNH2 protein. Rare non-truncating variants in this region have been shown to be significantly overrepresented in individuals with long QT syndrome (PMID: 32893267). Computational prediction suggests that this variant may have deleterious impact on protein structure and function. Functional studies have not conclusively demonstrated mechanism of disease of this variant but generally indicate that this variant results in the altered kinetics of the potassium channel activity and reduced protein expression (PMID: 10187793, 22396785, 23303164, 26958806, 29725305, 31557540, 34801551). This variant has been reported in over ten individuals affected with long QT syndrome (PMID: 10973849, 11854117, 19926013, 23174487, 23631430), in an individual with sudden cardiac death (PMID: 28087566), and in a few unaffected individuals (PMID: 14661677, 19841300, 22949429). This variant has not been identified in the general population by the Genome Aggregation Database (gnomAD). Based on the available evidence, this variant is classified as Likely Pathogenic.

GeneDx
Classification: Likely pathogenic. Last evaluated: 2024-07-02. Review status: criteria provided, single submitter. Criteria: GeneDx Variant Classification Process June 2021. Collection method: clinical testing. Allele origin: germline. Affected: yes.
Comment: Reported in association with LQTS and sudden cardiac death (PMID: 10187793, 11854117, 19926013, 23174487, 28087566, 10973849); Not observed at significant frequency in large population cohorts (gnomAD); Published functional studies demonstrate p.(N33T) causes defective potassium channel gating in vitro and a repolarization-deficient phenotype in a zebrafish model (PMID: 10187793, 21536673, 22396785, 31557540, 23303164, 26958806); In silico analysis supports that this missense variant has a deleterious effect on protein structure/function; This variant is associated with the following publications: (PMID: 14661677, 22949429, 25417810, 22396785, 21536673, 11854117, 23174487, 19926013, 23631430, 10187793, 31557540, 19841300, 28087566, 29725305, 32475984, BayeJ2022, 10973849, 34801551, 23303164, 37187232, 35688148, 26958806)

All of Us Research Program, National Institutes of Health
Classification: Likely pathogenic for Long QT syndrome. Last evaluated: 2024-05-30. Review status: criteria provided, single submitter. Criteria: ACMG Guidelines, 2015. Collection method: clinical testing. Allele origin: germline. Inheritance: Autosomal dominant inheritance. Observed: 1 variant allele, 1 heterozygote.
Comment: This missense variant replaces asparagine with threonine at codon 33 in the N-terminal PAS domain of the KCNH2 protein. Rare non-truncating variants in this region have been shown to be significantly overrepresented in individuals with long QT syndrome (PMID: 32893267). Computational prediction suggests that this variant may have deleterious impact on protein structure and function. Functional studies have not conclusively demonstrated mechanism of disease of this variant but generally indicate that this variant results in the altered kinetics of the potassium channel activity and reduced protein expression (PMID: 10187793, 22396785, 23303164, 26958806, 29725305, 31557540, 34801551). This variant has been reported in over ten individuals affected with long QT syndrome (PMID: 10973849, 11854117, 19926013, 23174487, 23631430), in an individual with sudden cardiac death (PMID: 28087566), and in a few unaffected individuals (PMID: 14661677, 19841300, 22949429). This variant has not been identified in the general population by the Genome Aggregation Database (gnomAD). Based on the available evidence, this variant is classified as Likely Pathogenic.

This study involves interpretation of variants in research participants for the purpose of population health screening. Participant phenotype was not available at the time of variant classification. Additional details can be found in publication PMID: 35346344, PMCID: PMC8962531

Ambry Genetics
Classification: Uncertain significance for Cardiovascular phenotype. Last evaluated: 2023-07-17. Review status: criteria provided, single submitter. Criteria: Ambry General Variant Classification Scheme_2022. Collection method: clinical testing. Allele origin: germline.
Comment: The p.N33T variant (also known as c.98A>C), located in coding exon 2 of the KCNH2 gene, results from an A to C substitution at nucleotide position 98. The asparagine at codon 33 is replaced by threonine, an amino acid with similar properties. This alteration has been reported in long QT syndrome and sudden cardiac death cohorts (Splawski I et al. Circulation, 2000 Sep;102:1178-85; Lieve KV et al. Genet Test Mol Biomarkers, 2013 Jul;17:553-61; Seidelmann SB et al. Circ Cardiovasc Genet, 2017 Feb;10:). This alteration has also been reported in control cohorts (Ackerman MJ et al. Mayo Clin Proc, 2003 Dec;78:1479-87; Kapa S et al. Circulation, 2009 Nov;120:1752-60). This variant has been studied in numerous functional settings with a possible impact on protein function (Gianulis EC et al. J Biol Chem, 2011 Jun;286:22160-9; Jou CJ et al. Circ Res, 2013 Mar;112:826-30; Perry MD et al. J Physiol, 2016 Jul;594:4031-49; Ng CA et al. Heart Rhythm, 2020 Mar;17:492-500). This amino acid position is highly conserved in available vertebrate species. In addition, the in silico prediction for this alteration is inconclusive. Since supporting evidence is limited at this time, the clinical significance of this alteration remains unclear.

Women's Health and Genetics/Laboratory Corporation of America, LabCorp
Classification: Likely pathogenic for Long QT syndrome. Last evaluated: 2018-03-13. Review status: criteria provided, single submitter. Criteria: LabCorp Variant Classification Summary - May 2015. Collection method: clinical testing. Allele origin: germline.
Comment: Variant summary: KCNH2 c.98A>C (p.Asn33Thr) results in a non-conservative amino acid change in the in the PAS domain of the encoded voltage-gated potassium channel that is involved in the regulation of the slow deactivation kinetics (Gianulis 2011). Five of five in-silico tools predict a damaging effect of the variant on protein function. The effect of the variant on protein function was assessed in several in vitro functional studies. KCNH2 dysfunction can occur through a number of mechanisms, including defects in ion permeation, channel opening and closing (gating) or protein trafficking (Gianulis 2011). The variant protein had similar trafficking to the wild type (Harley 2012, Anderson 2014), and also exhibited robust currents when studied in Xenopus oocytes or HEK293 cells. However, the channel deactivation kinetics was significantly accelerated, that might result in prolongation of the ventricular action potential and predispose affected individuals to arrhythmias (Chen 1999, Gianulis 2011). An in vivo functional study performed in a zebrafish model, also supported the pathogenicity of the variant protein by demonstrating a repolarization-deficient phenotype (Jou 2013). Though one study reported the variant to be found in 1/187 Caucasian control individuals, suggesting that it may be a benign polymorphism (Ackerman 2003), the variant allele was not found in large control populations (ExAC and gnomAD) or in healthy controls tested in other studies (Splawski 2000, Lieve 2013). c.98A>C has been reported in the literature in several individuals affected with LQTS (Splawski 2000, Moss 2002, Shimizu 2009, Mullally 2013, Lieve 2013), and also was found in one patient diagnosed with Sudden Cardiac Death (Seidelmann 2017). These data indicate that the variant is likely to be associated with disease. One clinical diagnostic laboratory has submitted clinical-significance assessments for this variant to ClinVar after 2014 without evidence for independent evaluation and classified the variant as likely pathogenic. Based on the evidence outlined above, the variant was classified as likely pathogenic.

Cardiovascular Biomedical Research Unit, Royal Brompton & Harefield NHS Foundation Trust
No classification provided. Review status: no classification provided. Collection method: literature only. Allele origin: germline. Not counted in ClinVar's aggregate classification.
Comment: This variant has been reported in the following publications (PMID:10187793;PMID:10973849;PMID:11854117;PMID:14661677;PMID:19841300;PMID:21536673;PMID:22396785).

Literature cited by the submitters: PubMed 10973849 (cited by 6 submitters); PubMed 11854117 (cited by 6 submitters); PubMed 23174487 (cited by 5 submitters); PubMed 23631430 (cited by 5 submitters); PubMed 28087566 (cited by 5 submitters); PubMed 10187793 (cited by 6 submitters); PubMed 19172259 (cited by Labcorp Genetics (formerly Invitae), Labcorp); PubMed 21536673 (cited by 4 submitters); PubMed 22396785 (cited by 6 submitters); PubMed 23303164 (cited by 5 submitters); PubMed 25417810 (cited by Labcorp Genetics (formerly Invitae), Labcorp and Women's Health and Genetics/Laboratory Corporation of America, LabCorp); PubMed 29725305 (cited by 4 submitters); PubMed 31557540 (cited by 4 submitters); PubMed 35688148 (cited by Labcorp Genetics (formerly Invitae), Labcorp); PubMed 14661677 (cited by 5 submitters); PubMed 19841300 (cited by 5 submitters); PubMed 19926013 (cited by 4 submitters); PubMed 22949429 (cited by 3 submitters); PubMed 26958806 (cited by 3 submitters); PubMed 32893267 (cited by Color Diagnostics, LLC DBA Color Health and All of Us Research Program, National Institutes of Health); PubMed 34801551 (cited by 3 submitters); PubMed 29305421 (cited by Ambry Genetics); PubMed 22581653 (cited by Cardiovascular Biomedical Research Unit, Royal Brompton & Harefield NHS Foundation Trust).